The following is an entry in ClinVar:

ClinVar aggregate classification (germline): Uncertain significance. Review status: criteria provided, multiple submitters, no conflicts (2 of 4 stars). 2 submissions from 2 submitters: Uncertain significance (2). Last evaluated 2024-11-06.

Conditions:
SIX5-related disorder. Also called: SIX5-related condition.

Submissions (2):

PreventionGenetics, part of Exact Sciences
Classification: Uncertain significance for SIX5-related condition. Last evaluated: 2024-11-06. Review status: criteria provided, single submitter. Criteria: ACMG Guidelines, 2015. Collection method: clinical testing. Allele origin: germline.
Comment: The SIX5 c.147_149dupGGC variant is predicted to result in an in-frame duplication (p.Ala50dup). To our knowledge, this variant has not been reported in the literature. This variant is reported in 0.0067% of alleles in individuals of European (Non-Finnish) descent in gnomAD. At this time, the clinical significance of this variant is uncertain due to the absence of conclusive functional and genetic evidence.

Labcorp Genetics (formerly Invitae), Labcorp
Classification: Uncertain significance. Last evaluated: 2023-12-30. Review status: criteria provided, single submitter. Criteria: Invitae Variant Classification Sherloc (09022015). Collection method: clinical testing. Allele origin: germline.
Comment: This variant, c.147_149dup, results in the insertion of 1 amino acid(s) of the SIX5 protein (p.Ala50dup), but otherwise preserves the integrity of the reading frame. This variant is present in population databases (no rsID available, gnomAD 0.007%). This variant has not been reported in the literature in individuals affected with SIX5-related conditions. Experimental studies and prediction algorithms are not available or were not evaluated, and the functional significance of this variant is currently unknown. In summary, the available evidence is currently insufficient to determine the role of this variant in disease. Therefore, it has been classified as a Variant of Uncertain Significance.

NM_175875.5(SIX5):c.135GGC[6] (p.Ala50_Gly51insAla)

Genes: DM1-AS (DM1 locus antisense RNA; plus strand), SIX5 (SIX homeobox 5; minus strand), LOC129929037 (ATAC-STARR-seq lymphoblastoid silent region 10794; plus strand), LOC107075317 (origin of replication in DMPK trinucleotide repeat region; plus strand). Cytogenetic location: 19q13.32.
Variant type: Microsatellite.
Coding change: c.135GGC[6] on transcript NM_175875.5 (MANE Select); six copies in a row of the 3-base unit GGC starting at c.135; the reference has five copies in a row; one copy, 3 bases duplicated.
Protein change: p.Ala50_Gly51insAla.
Molecular consequence: inframe insertion.
Genome position (GRCh38, 1-based): chr19:45,768,696-45,768,698, GCC duplicated on the plus strand (GGC on the coding strand, the reverse complement: SIX5 is on the minus strand); duplicating any 3 consecutive bases within chr19:45,768,696-45,768,710 gives the same sequence; the position shown is the placement nearest the transcript's 3' end. VCF-style (leftmost placement, unchanged base first): chr19-45768695-G-GGCC. GRCh37 (hg19) VCF-style: chr19-46271953-G-GGCC.
Other names: c.147_149dupGGC (NM_175875.4).
Identifiers: ClinVar variation 2989437 (VCV002989437.4), dbSNP rs772182553, ClinGen allele CA309001774.